The following is an entry in ClinVar:

NM_003482.4(KMT2D):c.9887C>T (p.Ser3296Phe)

Gene: KMT2D (lysine methyltransferase 2D; minus strand). Cytogenetic location: 12q13.12.
Variant type: single nucleotide variant.
Coding change: c.9887C>T on transcript NM_003482.4 (MANE Select); coding-DNA position 9887, C replaced by T.
Protein change: p.Ser3296Phe; replaces serine 3296 with phenylalanine.
Molecular consequence: missense variant.
Genome position (GRCh38, 1-based): chr12:49,037,469, G>A on the plus strand (C>T on the coding strand, the complement: KMT2D is on the minus strand). VCF-style: chr12-49037469-G-A. GRCh37 (hg19) VCF-style: chr12-49431252-G-A.
Other names: short protein forms S3296F.
Identifiers: ClinVar variation 4882770 (VCV004882770.2).

ClinVar aggregate classification (germline): Uncertain significance (1 of 4 stars; one submission).

gnomAD v4.1: 1 of 1,566,792 alleles (0.000064%); highest among the groups gnomAD compares: Non-Finnish European, 0.000087%; no homozygotes.

Submission:

Dasa
Classification: Uncertain significance. Last evaluated: 2026-01-16. Review status: criteria provided, single submitter. Criteria: DASA Assertion Criteria. Collection method: clinical testing. Allele origin: germline.
Comment: NM_003482.4(KMT2D):c.9887C>T (p.Ser3296Phe) is a missense variant that results in the substitution of serine with phenylalanine. This variant is rare in population databases. The currently available literature and clinical evidence are not sufficient to establish a definitive association between this variant and the reported condition. Therefore, this variant is classified as a variant of uncertain significance.